The following is an entry in ClinVar:

ClinVar aggregate classification (germline): Uncertain significance (1 of 4 stars; one submission).

Conditions:
Dilated cardiomyopathy 1JJ (CMD1JJ). Identifiers: Orphanet 154, MedGen C3808935, MONDO:0014095, OMIM 615235.

Allele frequency attached by ClinVar (database versions not stated): gnomAD exomes below 0.00001; gnomAD 0.00001.
gnomAD v4.1: 2 of 1,613,986 alleles (0.00012%); highest among the groups gnomAD compares: Admixed American, 0.0033%; no homozygotes.

Submission:

Labcorp Genetics (formerly Invitae), Labcorp
Classification: Uncertain significance for Dilated cardiomyopathy 1JJ. Last evaluated: 2019-07-05. Review status: criteria provided, single submitter. Criteria: Invitae Variant Classification Sherloc (09022015). Collection method: clinical testing. Allele origin: germline.
Comment: This variant has not been reported in the literature in individuals with LAMA4-related conditions. This sequence change falls in intron 20 of the LAMA4 gene. It does not directly change the encoded amino acid sequence of the LAMA4 protein, but it affects a nucleotide within the consensus splice site of the intron. This variant is not present in population databases (ExAC no frequency). Nucleotide substitutions within the consensus splice site are a relatively common cause of aberrant splicing (PMID: 17576681, 9536098). Algorithms developed to predict the effect of sequence changes on RNA splicing suggest that this variant may disrupt the consensus splice site, but this prediction has not been confirmed by published transcriptional studies. In summary, the available evidence is currently insufficient to determine the role of this variant in disease. Therefore, it has been classified as a Variant of Uncertain Significance.

Literature cited by the submitters: PubMed 17576681; PubMed 9536098.

NM_001105206.3(LAMA4):c.2667+4A>G

Gene: LAMA4 (laminin subunit alpha 4; minus strand). Cytogenetic location: 6q21.
Variant type: single nucleotide variant.
Coding change: c.2667+4A>G on transcript NM_001105206.3 (MANE Select); 4 bases into the intron after coding-DNA position 2667, A replaced by G.
Molecular consequence: intron variant.
Genome position (GRCh38, 1-based): chr6:112,142,115, T>C on the plus strand (A>G on the coding strand, the complement: LAMA4 is on the minus strand). VCF-style: chr6-112142115-T-C. GRCh37 (hg19) VCF-style: chr6-112463317-T-C.
Other names: c.2646+4A>G (NM_002290.5, NM_001105207.3).
Identifiers: ClinVar variation 951199 (VCV000951199.7), dbSNP rs1554333423, ClinGen allele CA569684199.